The following is an entry in ClinVar:

ClinVar aggregate classification (germline): Uncertain significance (1 of 4 stars; one submission).

Conditions:
Combined oxidative phosphorylation defect type 17. Also called: Combined oxidative phosphorylation deficiency 17. Identifiers: Orphanet 369913, MedGen C3809526, MONDO:0014190, OMIM 615440.

gnomAD v4.1: 5 of 1,610,078 alleles (0.00031%); highest among the groups gnomAD compares: Non-Finnish European, 0.00042%; no homozygotes.

Submission:

Labcorp Genetics (formerly Invitae), Labcorp
Classification: Uncertain significance for Combined oxidative phosphorylation defect type 17. Last evaluated: 2022-08-23. Review status: criteria provided, single submitter. Criteria: Invitae Variant Classification Sherloc (09022015). Collection method: clinical testing. Allele origin: germline.
Comment: In summary, the available evidence is currently insufficient to determine the role of this variant in disease. Therefore, it has been classified as a Variant of Uncertain Significance. Algorithms developed to predict the effect of missense changes on protein structure and function (SIFT, PolyPhen-2, Align-GVGD) all suggest that this variant is likely to be tolerated. ClinVar contains an entry for this variant (Variation ID: 1472831). This variant has not been reported in the literature in individuals affected with ELAC2-related conditions. This variant is present in population databases (rs149544601, gnomAD 0.004%). This sequence change replaces isoleucine, which is neutral and non-polar, with phenylalanine, which is neutral and non-polar, at codon 396 of the ELAC2 protein (p.Ile396Phe).

NM_018127.7(ELAC2):c.1186A>T (p.Ile396Phe)

Gene: ELAC2 (elaC ribonuclease Z 2; minus strand). Cytogenetic location: 17p12.
Variant type: single nucleotide variant.
Coding change: c.1186A>T on transcript NM_018127.7 (MANE Select); coding-DNA position 1186, A replaced by T.
Protein change: p.Ile396Phe; replaces isoleucine 396 with phenylalanine.
Molecular consequence: missense variant.
Genome position (GRCh38, 1-based): chr17:13,002,473, T>A on the plus strand (A>T on the coding strand, the complement: ELAC2 is on the minus strand). VCF-style: chr17-13002473-T-A. GRCh37 (hg19) VCF-style: chr17-12905790-T-A.
Other names: c.1066A>T, p.Ile356Phe (NM_001165962.2); c.1186A>T, p.Ile396Phe (NM_173717.2); short protein forms I356F, I396F.
Identifiers: ClinVar variation 1472831 (VCV001472831.6), dbSNP rs149544601, ClinGen allele CA8401331.